The following continues an entry in ClinVar:

NM_001089.3(ABCA3):c.875A>T (p.Glu292Val)

Gene: ABCA3. ClinVar aggregate classification (germline): Pathogenic/Likely pathogenic. Pathogenic (15); Likely pathogenic (10).

Submissions 7 to 22 of 33:

Women's Health and Genetics/Laboratory Corporation of America, LabCorp
Classification: Pathogenic for Interstitial lung disease due to ABCA3 deficiency. Last evaluated: 2025-10-07. Review status: criteria provided, single submitter. Criteria: LabCorp Variant Classification Summary - May 2015. Collection method: clinical testing. Allele origin: germline.
Comment: Variant summary: ABCA3 c.875A>T (p.Glu292Val) results in a non-conservative amino acid change in the encoded protein sequence. Algorithms developed to predict the effect of missense changes on protein structure and function all suggest that this variant is likely to be disruptive. Consensus agreement among computation tools predict no significant impact on normal splicing. However, these predictions have yet to be confirmed by functional studies. The variant allele was found at a frequency of 0.0023 in 250982 control chromosomes, predominantly at a frequency of 0.0043 within the Non-Finnish European subpopulation in the gnomAD database, including 3 homozygotes. The observed variant frequency within Non-Finnish European control individuals in the gnomAD database exceeds the estimated maximal expected allele frequency for disease-causing variants in ABCA3. However, c.875A>T has been reported in multiple homozygous and compound heterozygous individuals affected with various respiratory diseases, including surfactant deficiency syndrome, respiratory distress syndrome and chronic lung disease (e.g. Bullard_2005, Turcu_2013, Akil_2018, Tomer_2021). These data indicate that the variant is likely to be associated with disease. Experimental evidence evaluating an impact on protein function demonstrated the variant is a functional hypomorph exhibiting impaired ATPase activity, lipid transport activity, E-cadherin expression and AT2 cell autophagy (Matsumura_2008, Kaltenborn_2012, Wambach_2016, Wambach_2020, Tomer_2021). The following publications have been ascertained in the context of this evaluation (PMID: 23625987, 29566461, 15976379, 22434821, 18676873, 34132118, 27374344, 32692933). ClinVar contains an entry for this variant (Variation ID: 203381). ClinVar contains an entry for this variant (Variation ID: 203381). Based on the evidence outlined above, the variant was classified as pathogenic.

Victorian Clinical Genetics Services, Murdoch Childrens Research Institute
Classification: Pathogenic for Interstitial lung disease due to ABCA3 deficiency. Last evaluated: 2025-07-31. Review status: criteria provided, single submitter. Criteria: ACMG Guidelines, 2015. Collection method: clinical testing. Allele origin: germline. Affected: yes.
Comment: This variant is classified as Pathogenic. Evidence in support of pathogenic classification: Variant is present in gnomAD <0.01 for a recessive condition (v4: 7,276 heterozygote(s), 20 homozygote(s)); This variant has strong previous evidence of pathogenicity in unrelated individuals. This is one of the most common ABCA3 disease-causing variants, and has been previously reported in more than twenty individuals with variable respiratory disease including paediatric interstitial lung disease (pILD) and idiopathic pulmonary fibrosis, both in compound heterozygous and homozygous states (ClinVar, PMID: 15976379, 24871971, 25553246, 23625987); This variant has moderate functional evidence supporting abnormal protein function. Functional studies demonstrate that this variant causes moderately impaired lipid transport of the protein (PMID: 18676873, 29505158); Missense variant predicted to be damaging by in silico tool(s) or highly conserved with a major amino acid change. Additional information: Variant is predicted to result in a missense amino acid change from glutamic acid to valine; This variant is homozygous; This gene is associated with autosomal recessive disease; Alternative amino acid change(s) at the same position are present in gnomAD (Highest allele count: v4: 4 heterozygote(s), 0 homozygote(s)); Variant is located in the annotated ABC2 membrane domain (DECIPHER); Loss of function is a known mechanism of disease in this gene and is associated with pulmonary surfactant metabolism dysfunction 3 (MIM#610921); Inheritance information for this variant is not currently available in this individual.

First Genomix Gene Laboratory, Genetic Diagnostics Department
Classification: Pathogenic for Interstitial lung disease due to ABCA3 deficiency. Last evaluated: 2025-07-14. Review status: criteria provided, single submitter. Criteria: ACMG Guidelines, 2015. Collection method: clinical testing. Allele origin: germline. Inheritance: Autosomal recessive inheritance. Affected: no. Observed: 1 variant allele.

Laboratorio de Genetica e Diagnostico Molecular, Hospital Israelita Albert Einstein
Classification: Pathogenic for Interstitial lung disease due to ABCA3 deficiency. Last evaluated: 2025-02-28. Review status: criteria provided, single submitter. Criteria: ACMG Guidelines, 2015. Collection method: clinical testing. Allele origin: germline. Affected: yes.
Comment: ACMG classification criteria: PS3 supporting, PM3 very strong, PP3 supporting

Blueprint Genetics
Classification: Pathogenic for ABCA3-related disorders. Last evaluated: 2024-11-26. Review status: criteria provided, single submitter. Criteria: ACMG Guidelines, 2015. Collection method: clinical testing. Allele origin: germline. Affected: yes. Observed: 5 variant alleles.

Fulgent Genetics
Classification: Likely pathogenic for Interstitial lung disease due to ABCA3 deficiency. Last evaluated: 2024-04-23. Review status: criteria provided, single submitter. Criteria: ACMG Guidelines, 2015. Collection method: clinical testing. Allele origin: germline.

Revvity Omics, Revvity
Classification: Likely pathogenic for Interstitial lung disease due to ABCA3 deficiency. Last evaluated: 2023-09-13. Review status: criteria provided, single submitter. Criteria: ACMG Guidelines, 2015. Collection method: clinical testing. Allele origin: germline.

CeGaT Center for Human Genetics Tuebingen
Classification: Likely pathogenic. Last evaluated: 2023-08-01. Review status: criteria provided, single submitter. Criteria: CeGaT Center For Human Genetics Tuebingen Variant Classification Criteria Version 2. Collection method: clinical testing. Allele origin: germline. Affected: yes. Observed: 1 variant allele.
Comment: ABCA3: PM2, PM3, PP1, PS3:Supporting

Department of Pathology and Laboratory Medicine, Sinai Health System
Classification: Likely pathogenic for Interstitial lung disease due to ABCA3 deficiency. Last evaluated: 2023-05-29. Review status: criteria provided, single submitter. Criteria: ACMG Guidelines, 2015. Collection method: research. Allele origin: germline.

Greenwood Genetic Center Diagnostic Laboratories, Greenwood Genetic Center
Classification: Likely pathogenic for Interstitial lung disease due to ABCA3 deficiency. Last evaluated: 2023-03-08. Review status: criteria provided, single submitter. Criteria: ACMG Guidelines, 2015. Collection method: clinical testing. Allele origin: germline. Affected: yes.
Comment: PS3, PM3, PP3

Alder lab, University of Pittsburgh
Classification: Likely pathogenic for Interstitial lung disease 2. Last evaluated: 2022-08-01. Review status: criteria provided, single submitter. Criteria: ACMG Guidelines, 2015. Collection method: research. Allele origin: germline. Affected: yes. Observed: 2 variant alleles.

Mendelics
Classification: Pathogenic for Interstitial lung disease due to ABCA3 deficiency. Last evaluated: 2022-05-04. Review status: criteria provided, single submitter. Criteria: Mendelics Assertion Criteria 2019. Collection method: clinical testing. Allele origin: germline.

AiLife Diagnostics
Classification: Likely pathogenic. Last evaluated: 2022-01-24. Review status: criteria provided, single submitter. Criteria: ACMG Guidelines, 2015. Collection method: clinical testing. Allele origin: germline. Affected: yes. Observed: 1 variant allele.

Johns Hopkins Genomics, Johns Hopkins University
Classification: Pathogenic for Interstitial lung disease due to ABCA3 deficiency. Last evaluated: 2019-02-04. Review status: criteria provided, single submitter. Criteria: ACMG Guidelines, 2015. Collection method: clinical testing. Allele origin: germline.
Comment: This ABCA3 variant (rs149989682) is present in large population datasets (gnomAD: 660/282370 total alleles; 0.23%; 3 homozygotes). Five submitters in ClinVar classify this variant as either pathogenic or likely pathogenic. This variant has been reported in numerous affected individuals, both in the compound heterozygous and homozygous state. Multiple functional studies have demonstrated that this variant disrupts ATP hydrolysis and decreases phospholipid transport across the lamellar body membrane. This variant is considered pathogenic.

Center for Personalized Medicine, Children's Hospital Los Angeles
Classification: Likely pathogenic. Last evaluated: 2018-11-19. Review status: criteria provided, single submitter. Criteria: ACMG Guidelines, 2015. Collection method: clinical testing. Allele origin: germline. Affected: yes.

Laboratory for Molecular Medicine, Mass General Brigham Personalized Medicine
Classification: Likely pathogenic for Primary interstitial lung disease specific to childhood due to pulmonary surfactant protein anomalies; Idiopathic Pulmonary Fibrosis. Last evaluated: 2018-08-13. Review status: criteria provided, single submitter. Criteria: LMM Criteria. Collection method: clinical testing. Allele origin: germline. Inheritance: Autosomal recessive inheritance. Observed: 2 variant alleles.
Comment: The p.Glu292Val variant in ABCA3 has been reported in 22 compound heterozygous a nd 2 homozygous individuals with various respiratory diseases, including idiopat hic pulmonary fibrosis, desquamative interstitial pneumonitis, neonatal respirat ory failure, and childhood interstitial lung disease (Bullard 2005, Shanklin 200 8, Copertino 2012, Epaud 2014, Coghlan 2014, Wambach 2014). A mouse knock-in mod el homozygous for the p.Glu292Val variant displayed phenotypes consistent with i nterstitial lung disease (Tomer 2013). This variant has been identified in 0.43% (543/126312) of European chromosomes, including 3 homozygotes, by the Genome Ag gregation Database (gnomAD; dbSNP rs149989682 ) and is reported in ClinVar (Variation ID: 203381). Please note that for diseas es with recessive inheritance, pathogenic variants may be present at a low frequ ency in the general population. Computational prediction tools and conservation analysis suggest that the p.Glu292Val variant may impact the protein, though thi s information is not predictive enough to determine pathogenicity. In summary, a lthough additional studies are required to fully establish its clinical signific ance, the p.Glu292Val variant is likely pathogenic. ACMG/AMP Criteria applied: P M3_Very Strong; PS3; PP3; BS1_Supporting.